The following is an entry in ClinVar:

ClinVar aggregate classification (germline): Uncertain significance (1 of 4 stars; one submission).

Allele frequency attached by ClinVar (database versions not stated): gnomAD exomes below 0.00001; TOPMed below 0.00001; gnomAD 0.00001.

Submission:

Labcorp Genetics (formerly Invitae), Labcorp
Classification: Uncertain significance. Last evaluated: 2019-08-14. Review status: criteria provided, single submitter. Criteria: Invitae Variant Classification Sherloc (09022015). Collection method: clinical testing. Allele origin: germline.
Comment: This variant has not been reported in the literature in individuals with PCARE-related conditions. In summary, the available evidence is currently insufficient to determine the role of this variant in disease. Therefore, it has been classified as a Variant of Uncertain Significance. Algorithms developed to predict the effect of missense changes on protein structure and function (SIFT, PolyPhen-2, Align-GVGD) all suggest that this variant is likely to be disruptive, but these predictions have not been confirmed by published functional studies and their clinical significance is uncertain. This variant is not present in population databases (ExAC no frequency). This sequence change replaces alanine with threonine at codon 183 of the PCARE protein (p.Ala183Thr). The alanine residue is highly conserved and there is a small physicochemical difference between alanine and threonine.

NM_001029883.3(PCARE):c.547G>A (p.Ala183Thr)

Gene: PCARE (photoreceptor cilium actin regulator; minus strand). Cytogenetic location: 2p23.2.
Variant type: single nucleotide variant.
Coding change: c.547G>A on transcript NM_001029883.3 (MANE Select); coding-DNA position 547, G replaced by A.
Protein change: p.Ala183Thr; replaces alanine 183 with threonine.
Molecular consequence: missense variant.
Genome position (GRCh38, 1-based): chr2:29,073,715, C>T on the plus strand (G>A on the coding strand, the complement: PCARE is on the minus strand). VCF-style: chr2-29073715-C-T. GRCh37 (hg19) VCF-style: chr2-29296581-C-T.
Other names: short protein forms A183T.
Identifiers: ClinVar variation 960840 (VCV000960840.9), dbSNP rs981898681, ClinGen allele CA44643984.